The following is an entry in ClinVar:

ClinVar aggregate classification (germline): Pathogenic/Likely pathogenic. Review status: criteria provided, multiple submitters, no conflicts (2 of 4 stars). 7 submissions from 7 submitters: Pathogenic (1); Likely pathogenic (4). 2 of the submissions do not count toward it. Last evaluated 2025-11-04.

Conditions:
BBS12-related disorder. Also called: BBS12-related condition.
Bardet-Biedl syndrome (BBS). Identifiers: Orphanet 110, MedGen C0752166, MONDO:0015229.
Bardet-Biedl syndrome 12 (BBS12). Identifiers: Orphanet 110, MedGen C1859570, MONDO:0014440, OMIM 615989.

Allele frequency attached by ClinVar (database versions not stated): gnomAD exomes below 0.00001; gnomAD 0.00001; TOPMed 0.00001.

Submissions (7):

Natera, Inc.
Classification: Likely pathogenic for Bardet-Biedl syndrome type 12. Last evaluated: 2025-11-04. Review status: criteria provided, single submitter. Criteria: Natera Variant Classification Schema (03/2026). Collection method: clinical testing. Allele origin: germline.
Comment: The c.1151delG variant in BBS12 is a frameshift variant predicted to shift the reading frame beginning at codon 384 and leads to a stop codon 21 codons downstream. This variant is expected to result in nonsense mediated decay, truncation, or a dysfunctional protein product. This variant is rare in the general population with a frequency below the threshold expected for the associated phenotype(s). Given the available evidence, this variant is classified as Likely Pathogenic.

GeneDx
Classification: Likely pathogenic. Last evaluated: 2025-08-14. Review status: criteria provided, single submitter. Criteria: GeneDx Variant Classification Process June 2021. Collection method: clinical testing. Allele origin: germline.
Comment: Has not been previously reported in peer-reviewed literature as pathogenic or benign to our knowledge; Frameshift variant predicted to result in abnormal protein length as the last 327 amino acid(s) are replaced with 20 different amino acid(s), and other similar variants have been reported in HGMD; Not observed at significant frequency in large population cohorts (gnomAD); This variant is associated with the following publications: (PMID: 39399040)

Blueprint Genetics
Classification: Likely pathogenic for BBS12-related disorders. Last evaluated: 2023-08-23. Review status: criteria provided, single submitter. Criteria: ACMG Guidelines, 2015. Collection method: clinical testing. Allele origin: germline. Affected: yes. Observed: 1 variant allele.

Labcorp Genetics (formerly Invitae), Labcorp
Classification: Pathogenic for Bardet-Biedl syndrome. Last evaluated: 2022-08-19. Review status: criteria provided, single submitter. Criteria: Invitae Variant Classification Sherloc (09022015). Collection method: clinical testing. Allele origin: germline.
Comment: This sequence change creates a premature translational stop signal (p.Ser384Thrfs*21) in the BBS12 gene. While this is not anticipated to result in nonsense mediated decay, it is expected to disrupt the last 327 amino acid(s) of the BBS12 protein. This variant is not present in population databases (gnomAD no frequency). This variant has not been reported in the literature in individuals affected with BBS12-related conditions. ClinVar contains an entry for this variant (Variation ID: 550386). This variant disrupts a region of the BBS12 protein in which other variant(s) (p.Arg675*) have been determined to be pathogenic (PMID: 20827784, 21642631). This suggests that this is a clinically significant region of the protein, and that variants that disrupt it are likely to be disease-causing. For these reasons, this variant has been classified as Pathogenic.

Fulgent Genetics
Classification: Likely pathogenic for Bardet-Biedl syndrome 12. Last evaluated: 2021-09-14. Review status: criteria provided, single submitter. Criteria: ACMG Guidelines, 2015. Collection method: clinical testing. Allele origin: unknown.

Gharavi Laboratory, Columbia University
Classification: Uncertain significance. Last evaluated: 2018-09-16. Review status: no assertion criteria provided. Criteria: ACMG Guidelines, 2015. Collection method: research. Allele origin: germline. Affected: yes. Not counted in ClinVar's aggregate classification.

Counsyl
Classification: Likely pathogenic for Bardet-Biedl syndrome 12. Last evaluated: 2017-01-20. Review status: no assertion criteria provided. Collection method: clinical testing. Allele origin: unknown. Not counted in ClinVar's aggregate classification.

Literature cited by the submitters: PubMed 20827784 (cited by Labcorp Genetics (formerly Invitae), Labcorp); PubMed 21642631 (cited by Labcorp Genetics (formerly Invitae), Labcorp).

NM_152618.3(BBS12):c.1151del (p.Ser384fs)

Gene: BBS12 (Bardet-Biedl syndrome 12; plus strand). Cytogenetic location: 4q27.
Variant type: Deletion.
Coding change: c.1151del on transcript NM_152618.3 (MANE Select); coding-DNA position 1151, one base deleted (G; older notation c.1151delG).
Protein change: p.Ser384fs; shifts the reading frame from serine 384.
Molecular consequence: frameshift variant.
Genome position (GRCh38, 1-based): chr4:122,743,043, G deleted. VCF-style (leftmost placement, unchanged base first): chr4-122743042-AG-A. GRCh37 (hg19) VCF-style: chr4-123664197-AG-A.
Other names: c.1151del (NM_152618.2); c.1151del, p.Ser384fs (NM_001178007.2); short protein forms S384fs.
Identifiers: ClinVar variation 550386 (VCV000550386.15), dbSNP rs1553941404, ClinGen allele CA441120879.
Genomic context (GRCh38, chr4:122,743,042, plus strand): 5'-ACAGAGAATTACCGCCACCTGGGATTTAATAAGTCTGCAAATATTAAAACAGTATTAGAT[AG>A]CATGCGGCTTCAAGAAGACAGCTCAGAAGAACTGTGGGCAAATCACGTGTTACAGGTGTT-3'